The following is an entry in ClinVar:

NM_000211.5(ITGB2):c.1969G>A (p.Val657Met)

Gene: ITGB2 (integrin subunit beta 2; minus strand). Cytogenetic location: 21q22.3.
Variant type: single nucleotide variant.
Coding change: c.1969G>A on transcript NM_000211.5 (MANE Select); coding-DNA position 1969, G replaced by A.
Protein change: p.Val657Met; replaces valine 657 with methionine.
Molecular consequence: missense variant.
Genome position (GRCh38, 1-based): chr21:44,888,804, C>T on the plus strand (G>A on the coding strand, the complement: ITGB2 is on the minus strand). VCF-style: chr21-44888804-C-T. GRCh37 (hg19) VCF-style: chr21-46308719-C-T.
Other names: c.1969G>A, p.Val657Met (NM_001127491.3); c.1762G>A, p.Val588Met (NM_001303238.2); short protein forms V588M, V657M.
Identifiers: ClinVar variation 898918 (VCV000898918.10), dbSNP rs376990045, ClinGen allele CA10062615.

ClinVar aggregate classification (germline): Uncertain significance. Review status: criteria provided, multiple submitters, no conflicts (2 of 4 stars). 3 submissions from 3 submitters: Uncertain significance (3). Last evaluated 2025-03-31.

Conditions:
Inborn genetic diseases. Identifiers: MedGen C0950123, MeSH D030342.
Leukocyte adhesion deficiency 1 (LAD1). Also called: LEUKOCYTE ADHESION DEFICIENCY, TYPE I; LAD 1; Lymphocyte function-associated antigen 1 immunodeficiency; LFA 1 immunodeficiency. Identifiers: Orphanet 2968, Orphanet 99842, MedGen C0398738, MONDO:0007293, OMIM 116920.

Allele frequency attached by ClinVar (database versions not stated): ExAC 0.00003; gnomAD exomes 0.00007 and 0.00009; gnomAD 0.00011; TOPMed 0.00013; 1000 Genomes Project 30x 0.00016; 1000 Genomes Project 0.00020; ESP Exome Variant Server 0.00023.

Submissions (3):

Ambry Genetics
Classification: Uncertain significance for Inborn genetic diseases. Last evaluated: 2025-03-31. Review status: criteria provided, single submitter. Criteria: Ambry Variant Classification Scheme 2023. Collection method: clinical testing. Allele origin: germline.

Labcorp Genetics (formerly Invitae), Labcorp
Classification: Uncertain significance for Leukocyte adhesion deficiency 1. Last evaluated: 2024-01-02. Review status: criteria provided, single submitter. Criteria: Invitae Variant Classification Sherloc (09022015). Collection method: clinical testing. Allele origin: germline.
Comment: This sequence change replaces valine, which is neutral and non-polar, with methionine, which is neutral and non-polar, at codon 657 of the ITGB2 protein (p.Val657Met). This variant is present in population databases (rs376990045, gnomAD 0.02%). This variant has not been reported in the literature in individuals affected with ITGB2-related conditions. ClinVar contains an entry for this variant (Variation ID: 898918). Algorithms developed to predict the effect of missense changes on protein structure and function output the following: SIFT: "Not Available"; PolyPhen-2: "Benign"; Align-GVGD: "Not Available". The methionine amino acid residue is found in multiple mammalian species, which suggests that this missense change does not adversely affect protein function. In summary, the available evidence is currently insufficient to determine the role of this variant in disease. Therefore, it has been classified as a Variant of Uncertain Significance.

Illumina Laboratory Services, Illumina
Classification: Uncertain significance for Leukocyte adhesion deficiency 1. Last evaluated: 2018-01-13. Review status: criteria provided, single submitter. Criteria: ICSL Variant Classification Criteria 13 December 2019. Collection method: clinical testing. Allele origin: germline.